The following is an entry in ClinVar:

ClinVar aggregate classification (germline): Likely pathogenic (1 of 4 stars; one submission).

Conditions:
Osteogenesis imperfecta (OI). Identifiers: Orphanet 666, MedGen C0029434, MeSH D010013, MONDO:0019019.

Submission:

Women's Health and Genetics/Laboratory Corporation of America, LabCorp
Classification: Likely pathogenic for Osteogenesis imperfecta. Last evaluated: 2023-02-20. Review status: criteria provided, single submitter. Criteria: LabCorp Variant Classification Summary - May 2015. Collection method: clinical testing. Allele origin: germline.
Comment: Variant summary: BMP1 c.584delG (p.Gly195AlafsX56) results in a premature termination codon, predicted to cause a truncation of the encoded protein or absence of the protein due to nonsense mediated decay, which are commonly known mechanisms for disease. Truncations downstream of this position have been cited as pathogenic and disease-associated in ClinVar and HGMD. The variant was absent in 244878 control chromosomes. To our knowledge, no occurrence of c.584delG in individuals affected with Osteogenesis Imperfecta and no experimental evidence demonstrating its impact on protein function have been reported. No clinical diagnostic laboratories have submitted clinical-significance assessments for this variant to ClinVar after 2014. Based on the evidence outlined above, the variant was classified as likely pathogenic.

NM_006129.5(BMP1):c.584del (p.Gly195fs)

Gene: BMP1 (bone morphogenetic protein 1; plus strand). Cytogenetic location: 8p21.3.
Variant type: Deletion.
Coding change: c.584del on transcript NM_006129.5 (MANE Select); coding-DNA position 584, one base deleted (G; older notation c.584delG).
Protein change: p.Gly195fs; shifts the reading frame from glycine 195.
Molecular consequence: frameshift variant. On other transcripts: non-coding transcript variant (2).
Genome position (GRCh38, 1-based): chr8:22,176,993, G deleted; the last of 5 consecutive G bases (chr8:22,176,989-22,176,993); deleting any one gives the same sequence. VCF-style (leftmost placement, unchanged base first): chr8-22176988-CG-C. GRCh37 (hg19) VCF-style: chr8-22034501-CG-C.
Other names: c.584delG (NM_006129.4); c.584del, p.Gly195fs (NM_001199.4); short protein forms G195fs.
Identifiers: ClinVar variation 2445921 (VCV002445921.1), dbSNP rs1828459412, ClinGen allele CA459913728.